The following is an entry in ClinVar:

ClinVar aggregate classification (germline): Uncertain significance. Review status: criteria provided, multiple submitters, no conflicts (2 of 4 stars). 3 submissions from 3 submitters: Uncertain significance (2). 1 of the submissions does not count toward it. Last evaluated 2024-10-07.

Conditions:
Encephalitis, acute, infection (viral)-induced, susceptibility to, 11. Identifiers: MedGen C5561941, MONDO:0030334, OMIM 619441.

Allele frequency attached by ClinVar (database versions not stated): ExAC 0.00001; gnomAD exomes 0.00001 and 0.00002; gnomAD 0.00002; TOPMed 0.00003; ESP Exome Variant Server 0.00008.
gnomAD v4.1: 24 of 1,613,172 alleles (0.0015%); highest among the groups gnomAD compares: South Asian, 0.0055%; no homozygotes.

Submissions (3):

Labcorp Genetics (formerly Invitae), Labcorp
Classification: Uncertain significance. Last evaluated: 2024-10-07. Review status: criteria provided, single submitter. Criteria: Invitae Variant Classification Sherloc (09022015). Collection method: clinical testing. Allele origin: germline.
Comment: This sequence change creates a premature translational stop signal (p.Arg197*) in the DBR1 gene. It is expected to result in an absent or disrupted protein product. However, the current clinical and genetic evidence is not sufficient to establish whether loss-of-function variants in DBR1 cause disease. This variant is present in population databases (rs149610079, gnomAD 0.007%). This premature translational stop signal has been observed in individual(s) with viral brainstem encephalitis (PMID: 29474921). ClinVar contains an entry for this variant (Variation ID: 1184277). Algorithms developed to predict the effect of variants on gene product structure and function are not available or were not evaluated for this variant. Experimental studies have shown that this premature translational stop signal affects DBR1 function (PMID: 29474921). In summary, the available evidence is currently insufficient to determine the role of this variant in disease. Therefore, it has been classified as a Variant of Uncertain Significance.

Blueprint Genetics
Classification: Uncertain significance. Last evaluated: 2020-11-03. Review status: criteria provided, single submitter. Criteria: ACMG Guidelines, 2015. Collection method: clinical testing. Allele origin: germline.

OMIM
Classification: risk factor for ENCEPHALITIS, ACUTE, INFECTION-INDUCED (VIRAL), SUSCEPTIBILITY TO, 11. Last evaluated: 2021-07-22. Review status: no assertion criteria provided. Collection method: literature only. Allele origin: germline. Not counted in ClinVar's aggregate classification.

Literature cited by the submitters: PubMed 29474921 (cited by Labcorp Genetics (formerly Invitae), Labcorp and OMIM).

NM_016216.4(DBR1):c.589C>T (p.Arg197Ter)

Gene: DBR1 (debranching RNA lariats 1; minus strand). Cytogenetic location: 3q22.3.
Variant type: single nucleotide variant.
Coding change: c.589C>T on transcript NM_016216.4 (MANE Select); coding-DNA position 589, C replaced by T.
Protein change: p.Arg197Ter; replaces arginine 197 with a stop codon.
Molecular consequence: nonsense.
Genome position (GRCh38, 1-based): chr3:138,167,206, G>A on the plus strand (C>T on the coding strand, the complement: DBR1 is on the minus strand). VCF-style: chr3-138167206-G-A. GRCh37 (hg19) VCF-style: chr3-137886048-G-A.
Other names: short protein forms R197*.
Identifiers: ClinVar variation 1184277 (VCV001184277.4), dbSNP rs149610079, ClinGen allele CA2635834.